The following is an entry in ClinVar:

ClinVar aggregate classification (germline): Benign/Likely benign. Review status: criteria provided, multiple submitters, no conflicts (2 of 4 stars). 4 submissions from 4 submitters: Benign (1); Likely benign (3). Last evaluated 2026-01-05.

Conditions:
Fanconi anemia (FA). Also called: Fanconi's anemia. Identifiers: Orphanet 84, MedGen C0015625, MeSH D005199, MONDO:0019391.
Fanconi anemia complementation group P. Also called: SLX4-Related Fanconi Anemia. Identifiers: Orphanet 84, MedGen C3469542, MONDO:0013499, OMIM 613951.

Allele frequency attached by ClinVar (database versions not stated): gnomAD 0.00011 and 0.00013; TOPMed 0.00013; 1000 Genomes Project 30x 0.00031; 1000 Genomes Project 0.00040.
gnomAD v4.1: 161 of 1,613,528 alleles (0.01%); highest among the groups gnomAD compares: East Asian, 0.35%; 2 homozygotes.

Submissions (4):

Labcorp Genetics (formerly Invitae), Labcorp
Classification: Benign for Fanconi anemia. Last evaluated: 2026-01-05. Review status: criteria provided, single submitter. Criteria: Invitae Variant Classification Sherloc (09022015). Collection method: clinical testing. Allele origin: germline.

Blueprint Genetics
Classification: Likely benign. Last evaluated: 2023-08-10. Review status: criteria provided, single submitter. Criteria: ACMG Guidelines, 2015. Collection method: clinical testing. Allele origin: germline.

Sema4
Classification: Likely benign for Fanconi anemia. Last evaluated: 2021-08-03. Review status: criteria provided, single submitter. Criteria: Sema4 Curation Guidelines. Collection method: curation. Allele origin: germline.

Illumina Laboratory Services, Illumina
Classification: Likely benign for Fanconi anemia complementation group P. Last evaluated: 2018-01-13. Review status: criteria provided, single submitter. Criteria: ICSL Variant Classification Criteria 13 December 2019. Collection method: clinical testing. Allele origin: germline.
Comment: This variant was observed in the ICSL laboratory as part of a predisposition screen in an ostensibly healthy population. It had not been previously curated by ICSL or reported in the Human Gene Mutation Database (HGMD: prior to June 1st, 2018), and was therefore a candidate for classification through an automated scoring system. Utilizing variant allele frequency, disease prevalence and penetrance estimates, and inheritance mode, an automated score was calculated to assess if this variant is too frequent to cause the disease. Based on the score and internal cut-off values, a variant classified as likely benign is not then subjected to further curation. The score for this variant resulted in a classification of likely benign for this disease.

NM_032444.4(SLX4):c.1925-13A>T

Gene: SLX4 (SLX4 structure-specific endonuclease subunit; minus strand). Cytogenetic location: 16p13.3.
Variant type: single nucleotide variant.
Coding change: c.1925-13A>T on transcript NM_032444.4 (MANE Select); 13 bases into the intron before coding-DNA position 1925, A replaced by T.
Molecular consequence: intron variant.
Genome position (GRCh38, 1-based): chr16:3,595,706, T>A on the plus strand (A>T on the coding strand, the complement: SLX4 is on the minus strand). VCF-style: chr16-3595706-T-A. GRCh37 (hg19) VCF-style: chr16-3645707-T-A.
Identifiers: ClinVar variation 886308 (VCV000886308.13), dbSNP rs201324113, ClinGen allele CA7866363.